The following is an entry in ClinVar:

NM_001009944.3(PKD1):c.3847C>T (p.Leu1283=)

Gene: PKD1 (polycystin 1, transient receptor potential channel interacting; minus strand). Cytogenetic location: 16p13.3.
Variant type: single nucleotide variant.
Coding change: c.3847C>T on transcript NM_001009944.3 (MANE Select); coding-DNA position 3847, C replaced by T.
Protein change: p.Leu1283=; no amino-acid change (leucine 1283 retained).
Molecular consequence: synonymous variant.
Genome position (GRCh38, 1-based): chr16:2,111,320, G>A on the plus strand (C>T on the coding strand, the complement: PKD1 is on the minus strand). VCF-style: chr16-2111320-G-A. GRCh37 (hg19) VCF-style: chr16-2161321-G-A.
Other names: c.3847C>T, p.Leu1283= (NM_000296.4).
Identifiers: ClinVar variation 4999876 (VCV004999876.1).

ClinVar aggregate classification (germline): Likely benign (1 of 4 stars; one submission).

Conditions:
PKD1-related disorder. Also called: PKD1-related condition.

Submission:

PreventionGenetics, part of Exact Sciences
Classification: Likely benign for PKD1-related condition. Last evaluated: 2025-12-14. Review status: criteria provided, single submitter. Criteria: ACMG Guidelines, 2015. Collection method: clinical testing. Allele origin: germline.
Comment: This variant is classified as likely benign based on ACMG/AMP sequence variant interpretation guidelines (Richards et al. 2015 PMID: 25741868, with internal and published modifications).